The following is an entry in ClinVar:

ClinVar aggregate classification (germline): Pathogenic/Likely pathogenic. Review status: criteria provided, multiple submitters, no conflicts (2 of 4 stars). 2 submissions from 2 submitters: Pathogenic (1); Likely pathogenic (1). Last evaluated 2025-10-01.

Conditions:
Muscular dystrophy-dystroglycanopathy (congenital with brain and eye anomalies), type A5. Also called: MUSCULAR DYSTROPHY-DYSTROGLYCANOPATHY (CONGENITAL WITH BRAIN AND EYE ANOMALIES), TYPE A, 5; WALKER-WARBURG SYNDROME OR MUSCLE-EYE-BRAIN DISEASE, FKRP-RELATED. Identifiers: Orphanet 588, Orphanet 899, MedGen C3150413, MONDO:0013157, OMIM 613153.
Autosomal recessive limb-girdle muscular dystrophy type 2I. Also called: MUSCULAR DYSTROPHY-DYSTROGLYCANOPATHY (LIMB-GIRDLE), TYPE C, 5; MUSCULAR DYSTROPHY-DYSTROGLYCANOPATHY, LIMB-GIRDLE, FRKP-RELATED; MUSCULAR DYSTROPHY, LIMB-GIRDLE, TYPE 2I. Identifiers: Orphanet 34515, MedGen C1846672, MONDO:0011787, OMIM 607155.

Submissions (2):

Natera, Inc.
Classification: Likely pathogenic for Limb-girdle muscular dystrophy type 2I. Last evaluated: 2025-10-01. Review status: criteria provided, single submitter. Criteria: Natera Variant Classification Schema (03/2026). Collection method: clinical testing. Allele origin: germline.
Comment: The c.1216C>T variant in FKRP is a nonsense variant predicted to introduce a stop codon at amino acid 406. This variant is expected to result in nonsense mediated decay, truncation, or a dysfunctional protein product. This variant is rare in the general population with a frequency below the threshold expected for the associated phenotype(s). Given the available evidence, this variant is classified as Likely Pathogenic.

Baylor Genetics
Classification: Pathogenic for Muscular dystrophy-dystroglycanopathy (congenital with brain and eye anomalies), type A5. Last evaluated: 2023-01-21. Review status: criteria provided, single submitter. Criteria: ACMG Guidelines, 2015. Collection method: clinical testing. Allele origin: unknown.

NM_024301.5(FKRP):c.1216C>T (p.Gln406Ter)

Gene: FKRP (fukutin related protein; plus strand). Cytogenetic location: 19q13.32.
Variant type: single nucleotide variant.
Coding change: c.1216C>T on transcript NM_024301.5 (MANE Select); coding-DNA position 1216, C replaced by T.
Protein change: p.Gln406Ter; replaces glutamine 406 with a stop codon.
Molecular consequence: nonsense.
Genome position (GRCh38, 1-based): chr19:46,756,666, C>T. VCF-style: chr19-46756666-C-T. GRCh37 (hg19) VCF-style: chr19-47259923-C-T.
Other names: c.1216C>T (NM_024301.4); c.1216C>T, p.Gln406Ter (NM_001039885.3); short protein forms Q406*.
Identifiers: ClinVar variation 2675708 (VCV002675708.2), dbSNP rs2054934490, ClinGen allele CA406496887.